The following is an entry in ClinVar:

NM_021098.3(CACNA1H):c.965A>T (p.Tyr322Phe)

Gene: CACNA1H (calcium voltage-gated channel subunit alpha1 H; plus strand). Cytogenetic location: 16p13.3.
Variant type: single nucleotide variant.
Coding change: c.965A>T on transcript NM_021098.3 (MANE Select); coding-DNA position 965, A replaced by T.
Protein change: p.Tyr322Phe; replaces tyrosine 322 with phenylalanine.
Molecular consequence: missense variant.
Genome position (GRCh38, 1-based): chr16:1,200,417, A>T. VCF-style: chr16-1200417-A-T. GRCh37 (hg19) VCF-style: chr16-1250417-A-T.
Other names: c.965A>T, p.Tyr322Phe (NM_001005407.2); short protein forms Y322F.
Identifiers: ClinVar variation 2938899 (VCV002938899.3), dbSNP rs2548633556, ClinGen allele CA394157344.

ClinVar aggregate classification (germline): Uncertain significance (1 of 4 stars; one submission).

Conditions:
Hyperaldosteronism, familial, type IV (HALD4). Also called: FH IV; ALDOSTERONISM, PRIMARY, AND HYPERTENSION. Identifiers: Orphanet 642671, MedGen C4310756, MONDO:0014875, OMIM 617027.
Idiopathic generalized epilepsy. Also called: EIG; Generalised epilepsy. Identifiers: MedGen C0270850, MONDO:0005579, OMIM 600669.

Submission:

Labcorp Genetics (formerly Invitae), Labcorp
Classification: Uncertain significance for Idiopathic generalized epilepsy; Hyperaldosteronism, familial, type IV. Last evaluated: 2022-11-15. Review status: criteria provided, single submitter. Criteria: Invitae Variant Classification Sherloc (09022015). Collection method: clinical testing. Allele origin: germline.
Comment: In summary, the available evidence is currently insufficient to determine the role of this variant in disease. Therefore, it has been classified as a Variant of Uncertain Significance. Advanced modeling of protein sequence and biophysical properties (such as structural, functional, and spatial information, amino acid conservation, physicochemical variation, residue mobility, and thermodynamic stability) performed at Invitae indicates that this missense variant is not expected to disrupt CACNA1H protein function. This variant has not been reported in the literature in individuals affected with CACNA1H-related conditions. This variant is not present in population databases (gnomAD no frequency). This sequence change replaces tyrosine, which is neutral and polar, with phenylalanine, which is neutral and non-polar, at codon 322 of the CACNA1H protein (p.Tyr322Phe).